The following is an entry in ClinVar:

ClinVar aggregate classification (germline): Uncertain significance (1 of 4 stars; one submission).

Conditions:
Hereditary cancer-predisposing syndrome. Also called: Neoplastic Syndromes, Hereditary; Tumor predisposition; Hereditary Cancer Syndrome; Hereditary neoplastic syndrome. Identifiers: Orphanet 140162, MedGen C0027672, MeSH D009386, MONDO:0015356.

Submission:

Ambry Genetics
Classification: Uncertain significance for Hereditary cancer-predisposing syndrome. Last evaluated: 2024-12-01. Review status: criteria provided, single submitter. Criteria: Ambry Variant Classification Scheme 2023. Collection method: clinical testing. Allele origin: germline.
Comment: The p.T690A variant (also known as c.2068A>G), located in coding exon 13 of the RAD50 gene, results from an A to G substitution at nucleotide position 2068. The threonine at codon 690 is replaced by alanine, an amino acid with similar properties. This amino acid position is not well conserved in available vertebrate species. In addition, this alteration is predicted to be tolerated by in silico analysis. Since supporting evidence is limited at this time, the clinical significance of this alteration remains unclear.

NM_005732.4(RAD50):c.2068A>G (p.Thr690Ala)

Gene: RAD50 (RAD50 double strand break repair protein; plus strand). Cytogenetic location: 5q31.1.
Variant type: single nucleotide variant.
Coding change: c.2068A>G on transcript NM_005732.4 (MANE Select); coding-DNA position 2068, A replaced by G.
Protein change: p.Thr690Ala; replaces threonine 690 with alanine.
Molecular consequence: missense variant.
Genome position (GRCh38, 1-based): chr5:132,595,671, A>G. VCF-style: chr5-132595671-A-G. GRCh37 (hg19) VCF-style: chr5-131931363-A-G.
Other names: short protein forms T690A.
Identifiers: ClinVar variation 1785316 (VCV001785316.3), dbSNP rs2479651970, ClinGen allele CA360949789.
Genomic context (GRCh38, chr5:132,595,671, plus strand): 5'-ATTACTCAGCTAACAGACGAAAACCAGTCATGTTGCCCCGTTTGTCAGAGAGTTTTTCAG[A>G]CAGAGGCTGAGTTACAAGAAGTCATCAGTGATTTGCAGTCTAAACTGCGACTTGCTCCAG-3'
Protein context (NP_005723.2, residues 680-700): CCPVCQRVFQ[Thr690Ala]EAELQEVISD